The following is an entry in ClinVar:

ClinVar aggregate classification (germline): Likely benign (1 of 4 stars; one submission).

gnomAD v4.1: 7 of 1,204,173 alleles (0.00058%); highest among the groups gnomAD compares: Admixed American, 0.0022%; no homozygotes.

Submission:

CeGaT Center for Human Genetics Tuebingen
Classification: Likely benign. Last evaluated: 2026-01-01. Review status: criteria provided, single submitter. Criteria: CeGaT Center For Human Genetics Tuebingen Variant Classification Criteria Version 2. Collection method: clinical testing. Allele origin: germline. Affected: yes. Observed: 1 variant allele.
Comment: FLICR: BS2; PPP1R3F: BS2

NM_033215.5(PPP1R3F):c.616G>T (p.Ala206Ser)

Gene: PPP1R3F (protein phosphatase 1 regulatory subunit 3F; plus strand). Cytogenetic location: Xp11.23.
Variant type: single nucleotide variant.
Coding change: c.616G>T on transcript NM_033215.5 (MANE Select); coding-DNA position 616, G replaced by T.
Protein change: p.Ala206Ser; replaces alanine 206 with serine.
Molecular consequence: missense variant. On other transcripts: intron variant (1).
Genome position (GRCh38, 1-based): chrX:49,270,485, G>T. VCF-style: chrX-49270485-G-T. GRCh37 (hg19) VCF-style: chrX-49126948-G-T.
Other names: c.-32+552G>T (NM_001184745.2); short protein forms A206S.
Identifiers: ClinVar variation 4821120 (VCV004821120.4).